The following is an entry in ClinVar:

NM_005529.7(HSPG2):c.9072C>T (p.Ile3024=)

Gene: HSPG2 (heparan sulfate proteoglycan 2; minus strand). Cytogenetic location: 1p36.12.
Variant type: single nucleotide variant.
Coding change: c.9072C>T on transcript NM_005529.7 (MANE Select); coding-DNA position 9072, C replaced by T.
Protein change: p.Ile3024=; no amino-acid change (isoleucine 3024 retained).
Molecular consequence: synonymous variant.
Genome position (GRCh38, 1-based): chr1:21,842,123, G>A on the plus strand (C>T on the coding strand, the complement: HSPG2 is on the minus strand). VCF-style: chr1-21842123-G-A. GRCh37 (hg19) VCF-style: chr1-22168616-G-A.
Other names: c.9075C>T, p.Ile3025= (NM_001291860.2).
Identifiers: ClinVar variation 1693452 (VCV001693452.3), dbSNP rs776013099, ClinGen allele CA670556.
Genomic context (GRCh38, chr1:21,842,123, plus strand): 5'-GAGGCACTTGAAGCTGGCATCCTGGCCCTGCTGCACGGTGCTGCTGGGCGGGTCGATGGA[G>A]ATGACCGGGCTCCTAAGGCCTGGGGCCAAAGGGGCAGAGGGCTGGGCTCAGCAGGGGTGG-3'
Protein context (NP_005520.4, residues 3014-3034): GSSYRLRSPV[Ile3024=]SIDPPSSTVQ

ClinVar aggregate classification (germline): Conflicting classifications of pathogenicity. Review status: criteria provided, conflicting classifications (1 of 4 stars). 2 submissions from 2 submitters: Uncertain significance (1); Likely benign (1). Last evaluated 2025-09-04.

Allele frequency attached by ClinVar (database versions not stated): gnomAD exomes below 0.00001; TOPMed below 0.00001; ExAC 0.00001; gnomAD 0.00002.
gnomAD v4.1: 4 of 1,613,624 alleles (0.00025%); highest among the groups gnomAD compares: African/African-American, 0.004%; no homozygotes.

Submissions (2):

Labcorp Genetics (formerly Invitae), Labcorp
Classification: Likely benign. Last evaluated: 2025-09-04. Review status: criteria provided, single submitter. Criteria: Invitae Variant Classification Sherloc (09022015). Collection method: clinical testing. Allele origin: germline.

GeneDx
Classification: Uncertain significance. Last evaluated: 2021-12-28. Review status: criteria provided, single submitter. Criteria: GeneDx Variant Classification Process June 2021. Collection method: clinical testing. Allele origin: germline. Affected: yes.
Comment: In silico analysis supports that this variant does not alter splicing; Has not been previously published as pathogenic or benign to our knowledge